The following is an entry in ClinVar:

ClinVar aggregate classification (germline): Likely benign. Review status: criteria provided, multiple submitters, no conflicts (2 of 4 stars). 3 submissions from 3 submitters: Likely benign (3). Last evaluated 2025-10-19.

Conditions:
Dilated cardiomyopathy 1G (CMD1G). Identifiers: Orphanet 154, MedGen C1858763, MONDO:0011400, OMIM 604145.
Autosomal recessive limb-girdle muscular dystrophy type 2J (LGMDR10). Also called: Limb-girdle muscular dystrophy, type 2J; MUSCULAR DYSTROPHY, LIMB-GIRDLE, AUTOSOMAL RECESSIVE 10. Identifiers: Orphanet 140922, MedGen C1837342, MONDO:0012127, OMIM 608807.

Allele frequency attached by ClinVar (database versions not stated): TOPMed 0.00001; gnomAD 0.00002 and 0.00003.
gnomAD v4.1: 3 of 1,612,254 alleles (0.00019%); highest among the groups gnomAD compares: African/African-American, 0.004%; no homozygotes.

Submissions (3):

Labcorp Genetics (formerly Invitae), Labcorp
Classification: Likely benign for Dilated cardiomyopathy 1G; Autosomal recessive limb-girdle muscular dystrophy type 2J. Last evaluated: 2025-10-19. Review status: criteria provided, single submitter. Criteria: Invitae Variant Classification Sherloc (09022015). Collection method: clinical testing. Allele origin: germline.

GeneDx
Classification: Likely benign. Last evaluated: 2017-10-12. Review status: criteria provided, single submitter. Criteria: GeneDx Variant Classification (06012015). Collection method: clinical testing. Allele origin: germline. Affected: yes.
Comment: This variant is considered likely benign or benign based on one or more of the following criteria: it is a conservative change, it occurs at a poorly conserved position in the protein, it is predicted to be benign by multiple in silico algorithms, and/or has population frequency not consistent with disease.

Laboratory for Molecular Medicine, Mass General Brigham Personalized Medicine
Classification: Likely benign. Last evaluated: 2012-04-25. Review status: criteria provided, single submitter. Criteria: LMM Criteria. Collection method: clinical testing. Allele origin: germline. Observed: 1 variant allele.
Comment: 88606+11T>C in intron 295 TTN: This variant is not expected to have clinical sig nificance because it is not located within the splice consensus sequence. 88606 +11T>C in intron 295 TTN (allele frequency = n/a)

NM_001267550.2(TTN):c.96310+11T>C

Genes: TTN-AS1 (TTN antisense RNA 1; plus strand), TTN (titin; minus strand), LOC126806421 (CDK7 strongly-dependent group 2 enhancer GRCh37_chr2:179407630-179408829; plus strand). Cytogenetic location: 2q31.2.
Variant type: single nucleotide variant.
Coding change: c.96310+11T>C on transcript NM_001267550.2 (MANE Select); 11 bases into the intron after coding-DNA position 96310, T replaced by C.
Molecular consequence: intron variant.
Genome position (GRCh38, 1-based): chr2:178,543,823, A>G on the plus strand (T>C on the coding strand, the complement: TTN is on the minus strand). VCF-style: chr2-178543823-A-G. GRCh37 (hg19) VCF-style: chr2-179408550-A-G.
Other names: c.69115+11T>C (NM_003319.4); c.69691+11T>C (NM_133437.4); c.69490+11T>C (NM_133432.3); c.88606+11T>C (NM_133378.4); c.91387+11T>C (NM_001256850.1).
Identifiers: ClinVar variation 47570 (VCV000047570.14), dbSNP rs397517764, ClinGen allele CA141382.